The following is an entry in ClinVar:

ClinVar aggregate classification (germline): Benign/Likely benign. Review status: criteria provided, multiple submitters, no conflicts (2 of 4 stars). 5 submissions from 5 submitters: Benign (2); Likely benign (3). Last evaluated 2025-11-12.

Conditions:
MYH11-related disorder. Also called: MYH11-related condition.
Familial thoracic aortic aneurysm and aortic dissection (TAAD). Also called: Thoracic aortic aneurysms and dissections. Identifiers: Orphanet 91387, MedGen C4707243, MONDO:0019625.
Aortic aneurysm, familial thoracic 4 (AAT4). Also called: AORTIC ANEURYSM/AORTIC DISSECTION AND PATENT DUCTUS ARTERIOSUS. Identifiers: MedGen C1851504, MONDO:0007568, OMIM 132900.

Allele frequency attached by ClinVar (database versions not stated): ESP Exome Variant Server 0.00015; 1000 Genomes Project 30x 0.00016; 1000 Genomes Project 0.00020; TOPMed 0.00030.
gnomAD v4.1: 77 of 1,613,940 alleles (0.0048%); highest among the groups gnomAD compares: African/African-American, 0.093%; no homozygotes.

Submissions (5):

Labcorp Genetics (formerly Invitae), Labcorp
Classification: Likely benign for Aortic aneurysm, familial thoracic 4. Last evaluated: 2025-11-12. Review status: criteria provided, single submitter. Criteria: Invitae Variant Classification Sherloc (09022015). Collection method: clinical testing. Allele origin: germline.

PreventionGenetics, part of Exact Sciences
Classification: Likely benign for MYH11-related condition. Last evaluated: 2025-03-15. Review status: criteria provided, single submitter. Criteria: ACMG Guidelines, 2015. Collection method: clinical testing. Allele origin: germline.
Comment: This variant is classified as likely benign based on ACMG/AMP sequence variant interpretation guidelines (Richards et al. 2015 PMID: 25741868, with internal and published modifications).

All of Us Research Program, National Institutes of Health
Classification: Benign for Familial thoracic aortic aneurysm and aortic dissection. Last evaluated: 2024-02-05. Review status: criteria provided, single submitter. Criteria: ACMG Guidelines, 2015. Collection method: clinical testing. Allele origin: germline. Inheritance: Autosomal dominant inheritance. Observed: 17 variant alleles, 17 heterozygotes.
Comment: This study involves interpretation of variants in research participants for the purpose of population health screening. Participant phenotype was not available at the time of variant classification. Additional details can be found in publication PMID: 35346344, PMCID: PMC8962531

GeneDx
Classification: Likely benign. Last evaluated: 2019-08-12. Review status: criteria provided, single submitter. Criteria: GeneDx Variant Classification Process June 2021. Collection method: clinical testing. Allele origin: germline. Affected: yes.

Color Diagnostics, LLC DBA Color Health
Classification: Benign for Familial thoracic aortic aneurysm and aortic dissection. Last evaluated: 2019-02-10. Review status: criteria provided, single submitter. Criteria: ACMG Guidelines, 2015. Collection method: clinical testing. Allele origin: germline.

NM_002474.3(MYH11):c.2653-6G>C

Gene: MYH11 (myosin heavy chain 11; minus strand). Cytogenetic location: 16p13.11.
Variant type: single nucleotide variant.
Coding change: c.2653-6G>C on transcript NM_002474.3 (MANE Select); 6 bases into the intron before coding-DNA position 2653, G replaced by C.
Molecular consequence: intron variant.
Genome position (GRCh38, 1-based): chr16:15,741,675, C>G on the plus strand (G>C on the coding strand, the complement: MYH11 is on the minus strand). VCF-style: chr16-15741675-C-G. GRCh37 (hg19) VCF-style: chr16-15835532-C-G.
Other names: c.2653-6G>C (NM_022844.3); c.2674-6G>C (NM_001040114.2, NM_001040113.2).
Identifiers: ClinVar variation 465718 (VCV000465718.17), dbSNP rs200637980, ClinGen allele CA7922190.